The following is an entry in ClinVar:

ClinVar aggregate classification (germline): Likely benign (1 of 4 stars; one submission).

Allele frequency attached by ClinVar (database versions not stated): gnomAD 0.00465; TOPMed 0.00518; 1000 Genomes Project 30x 0.00547; 1000 Genomes Project 0.00619.
gnomAD v4.1: 699 of 152,292 alleles (0.46%); highest among the groups gnomAD compares: African/African-American, 1.6%; 6 homozygotes.

Submission:

GeneDx
Classification: Likely benign. Last evaluated: 2021-02-06. Review status: criteria provided, single submitter. Criteria: GeneDx Variant Classification Process June 2021. Collection method: clinical testing. Allele origin: germline. Affected: yes.
Comment: See Variant Classification Assertion Criteria.

NM_173689.7(CRB2):c.3633+204C>T

Gene: CRB2 (crumbs cell polarity complex component 2; plus strand). Cytogenetic location: 9q33.3.
Variant type: single nucleotide variant.
Coding change: c.3633+204C>T on transcript NM_173689.7 (MANE Select); 204 bases into the intron after coding-DNA position 3633, C replaced by T.
Molecular consequence: intron variant.
Genome position (GRCh38, 1-based): chr9:123,375,547, C>T. VCF-style: chr9-123375547-C-T. GRCh37 (hg19) VCF-style: chr9-126137826-C-T.
Identifiers: ClinVar variation 1707263 (VCV001707263.2), dbSNP rs116168371, ClinGen allele CA199642470.